The following is an entry in ClinVar:

ClinVar aggregate classification (germline): Uncertain significance (1 of 4 stars; one submission).

Conditions:
Perlman syndrome (PRLMNS). Identifiers: Orphanet 2849, MedGen C0796113, MONDO:0009965, OMIM 267000.

Allele frequency attached by ClinVar (database versions not stated): gnomAD exomes below 0.00001.
gnomAD v4.1: 1 of 1,614,188 alleles (0.000062%); highest among the groups gnomAD compares: East Asian, 0.0022%; no homozygotes.

Submission:

Labcorp Genetics (formerly Invitae), Labcorp
Classification: Uncertain significance for Perlman syndrome. Last evaluated: 2022-12-17. Review status: criteria provided, single submitter. Criteria: Invitae Variant Classification Sherloc (09022015). Collection method: clinical testing. Allele origin: germline.
Comment: This variant is present in population databases (no rsID available, gnomAD 0.006%). This sequence change replaces phenylalanine, which is neutral and non-polar, with serine, which is neutral and polar, at codon 344 of the DIS3L2 protein (p.Phe344Ser). In summary, the available evidence is currently insufficient to determine the role of this variant in disease. Therefore, it has been classified as a Variant of Uncertain Significance. Advanced modeling of protein sequence and biophysical properties (such as structural, functional, and spatial information, amino acid conservation, physicochemical variation, residue mobility, and thermodynamic stability) performed at Invitae indicates that this missense variant is not expected to disrupt DIS3L2 protein function. This variant has not been reported in the literature in individuals affected with DIS3L2-related conditions.

NM_152383.5(DIS3L2):c.1031T>C (p.Phe344Ser)

Gene: DIS3L2 (DIS3 like 3'-5' exoribonuclease 2; plus strand). Cytogenetic location: 2q37.1.
Variant type: single nucleotide variant.
Coding change: c.1031T>C on transcript NM_152383.5 (MANE Select); coding-DNA position 1031, T replaced by C.
Protein change: p.Phe344Ser; replaces phenylalanine 344 with serine.
Molecular consequence: missense variant. On other transcripts: non-coding transcript variant (2).
Genome position (GRCh38, 1-based): chr2:232,163,539, T>C. VCF-style: chr2-232163539-T-C. GRCh37 (hg19) VCF-style: chr2-233028249-T-C.
Other names: c.1031T>C, p.Phe344Ser (NM_001257281.2); short protein forms F344S.
Identifiers: ClinVar variation 2821646 (VCV002821646.3), dbSNP rs1446393691, ClinGen allele CA351154329.